The following is an entry in ClinVar:

ClinVar aggregate classification (germline): Pathogenic (1 of 4 stars; one submission).

Conditions:
LAMA2-related muscular dystrophy (LAMA2-RD). Also called: Laminin alpha 2-related dystrophy. Identifiers: MedGen C5679788, MONDO:0100228.

Submission:

Labcorp Genetics (formerly Invitae), Labcorp
Classification: Pathogenic for LAMA2-related muscular dystrophy. Last evaluated: 2023-09-21. Review status: criteria provided, single submitter. Criteria: Invitae Variant Classification Sherloc (09022015). Collection method: clinical testing. Allele origin: germline.
Comment: For these reasons, this variant has been classified as Pathogenic. This sequence change creates a premature translational stop signal (p.Asn2704Metfs*24) in the LAMA2 gene. It is expected to result in an absent or disrupted protein product. Loss-of-function variants in LAMA2 are known to be pathogenic (PMID: 18700894, 32904964). This variant is not present in population databases (gnomAD no frequency). This variant has not been reported in the literature in individuals affected with LAMA2-related conditions. ClinVar contains an entry for this variant (Variation ID: 2031063).

Literature cited by the submitters: PubMed 18700894; PubMed 32904964.

NM_000426.4(LAMA2):c.8111del (p.Asn2704fs)

Gene: LAMA2 (laminin subunit alpha 2; plus strand). Cytogenetic location: 6q22.33.
Variant type: Deletion.
Coding change: c.8111del on transcript NM_000426.4 (MANE Select); coding-DNA position 8111, one base deleted (A; older notation c.8111delA).
Protein change: p.Asn2704fs; shifts the reading frame from asparagine 2704.
Molecular consequence: frameshift variant.
Genome position (GRCh38, 1-based): chr6:129,492,350, A deleted; the last of 5 consecutive A bases (chr6:129,492,346-129,492,350); deleting any one gives the same sequence. VCF-style (leftmost placement, unchanged base first): chr6-129492345-CA-C. GRCh37 (hg19) VCF-style: chr6-129813490-CA-C.
Other names: c.8099del, p.Asn2700fs (NM_001079823.2); short protein forms N2700fs, N2704fs.
Identifiers: ClinVar variation 2031063 (VCV002031063.4), dbSNP rs2533505955, ClinGen allele CA2580074996.